The following is an entry in ClinVar:

ClinVar aggregate classification (germline): Uncertain significance (1 of 4 stars; one submission).

Submission:

Labcorp Genetics (formerly Invitae), Labcorp
Classification: Uncertain significance. Last evaluated: 2024-11-13. Review status: criteria provided, single submitter. Criteria: Invitae Variant Classification Sherloc (09022015). Collection method: clinical testing. Allele origin: germline.
Comment: This sequence change replaces valine, which is neutral and non-polar, with isoleucine, which is neutral and non-polar, at codon 3930 of the KMT2A protein (p.Val3930Ile). This variant is not present in population databases (gnomAD no frequency). This variant has not been reported in the literature in individuals affected with KMT2A-related conditions. Invitae Evidence Modeling of protein sequence and biophysical properties (such as structural, functional, and spatial information, amino acid conservation, physicochemical variation, residue mobility, and thermodynamic stability) indicates that this missense variant is not expected to disrupt KMT2A protein function with a negative predictive value of 95%. In summary, the available evidence is currently insufficient to determine the role of this variant in disease. Therefore, it has been classified as a Variant of Uncertain Significance.

NM_001197104.2(KMT2A):c.11788G>A (p.Val3930Ile)

Genes: KMT2A (lysine methyltransferase 2A; plus strand), TTC36-AS1 (TTC36 and KMT2A antisense RNA 1; minus strand). Cytogenetic location: 11q23.3.
Variant type: single nucleotide variant.
Coding change: c.11788G>A on transcript NM_001197104.2 (MANE Select); coding-DNA position 11788, G replaced by A.
Protein change: p.Val3930Ile; replaces valine 3930 with isoleucine.
Molecular consequence: missense variant.
Genome position (GRCh38, 1-based): chr11:118,522,041, G>A. VCF-style: chr11-118522041-G-A. GRCh37 (hg19) VCF-style: chr11-118392756-G-A.
Other names: c.11878G>A, p.Val3960Ile (NM_001412597.1); c.11779G>A, p.Val3927Ile (NM_005933.4); short protein forms V3960I, V3927I, V3930I.
Identifiers: ClinVar variation 3634369 (VCV003634369.2).
Genomic context (GRCh38, chr11:118,522,041, plus strand): 5'-CACTCGTGTGAGCCTAACTGCTATTCTCGGGTCATCAATATTGATGGGCAGAAGCACATT[G>A]TCATCTTTGCCATGCGTAAGATCTACCGAGGAGAGGAACTCACTTACGACTATAAGTTCC-3'
Protein context (NP_001184033.1, residues 3920-3940): VINIDGQKHI[Val3930Ile]IFAMRKIYRG